The following is an entry in ClinVar:

NM_000264.5(PTCH1):c.2506G>A (p.Glu836Lys)

Genes: PTCH1 (patched 1; minus strand), LOC100507346 (uncharacterized LOC100507346; plus strand). Cytogenetic location: 9q22.32.
Variant type: single nucleotide variant.
Coding change: c.2506G>A on transcript NM_000264.5 (MANE Select); coding-DNA position 2506, G replaced by A.
Protein change: p.Glu836Lys; replaces glutamic acid 836 with lysine.
Molecular consequence: missense variant. On other transcripts: non-coding transcript variant (2).
Genome position (GRCh38, 1-based): chr9:95,467,170, C>T on the plus strand (G>A on the coding strand, the complement: PTCH1 is on the minus strand). VCF-style: chr9-95467170-C-T. GRCh37 (hg19) VCF-style: chr9-98229452-C-T.
Other names: p.Glu836Lys; c.2308G>A, p.Glu770Lys (NM_001083602.3); c.2503G>A, p.Glu835Lys (NM_001083603.3); c.2053G>A, p.Glu685Lys (NM_001083604.3, NM_001083605.3, NM_001083606.3 and 1 more transcripts); c.2350G>A, p.Glu784Lys (NM_001354918.2); short protein forms E770K, E836K, E784K, E835K, E685K.
Identifiers: ClinVar variation 219974 (VCV000219974.14), dbSNP rs78708791, ClinGen allele CA348734.

ClinVar aggregate classification (germline): Conflicting classifications of pathogenicity. Review status: criteria provided, conflicting classifications (1 of 4 stars). 4 submissions from 4 submitters: Uncertain significance (2); Likely benign (2). Last evaluated 2026-01-13.

Conditions:
Hereditary cancer-predisposing syndrome. Also called: Tumor predisposition; Hereditary neoplastic syndrome; Neoplastic Syndromes, Hereditary; Hereditary Cancer Syndrome. Identifiers: Orphanet 140162, MedGen C0027672, MeSH D009386, MONDO:0015356.
Gorlin syndrome. Also called: Nevoid Basal Cell Carcinoma Syndrome; Basal cell nevus syndrome. Identifiers: Orphanet 377, MedGen C0004779, MONDO:0007187.

Allele frequency attached by ClinVar (database versions not stated): ExAC 0.00002; gnomAD exomes 0.00002 and 0.00010; TOPMed 0.00002; gnomAD 0.00003; 1000 Genomes Project 0.00020; 1000 Genomes Project 30x 0.00031.
gnomAD v4.1: 155 of 1,614,268 alleles (0.0096%); highest among the groups gnomAD compares: Non-Finnish European, 0.013%; no homozygotes.

Submissions (4):

Labcorp Genetics (formerly Invitae), Labcorp
Classification: Likely benign for Gorlin syndrome. Last evaluated: 2026-01-13. Review status: criteria provided, single submitter. Criteria: Invitae Variant Classification Sherloc (09022015). Collection method: clinical testing. Allele origin: germline.

Mayo Clinic Laboratories, Mayo Clinic
Classification: Uncertain significance. Last evaluated: 2025-10-10. Review status: criteria provided, single submitter. Criteria: ACMG Guidelines, 2015. Collection method: clinical testing. Allele origin: germline. Observed: 1 variant allele.

GeneDx
Classification: Uncertain significance. Last evaluated: 2025-06-20. Review status: criteria provided, single submitter. Criteria: GeneDx Variant Classification Process June 2021. Collection method: clinical testing. Allele origin: germline. Affected: yes.
Comment: In silico analysis suggests that this missense variant does not alter protein structure/function; Has not been previously published as pathogenic or benign to our knowledge

Ambry Genetics
Classification: Likely benign for Hereditary cancer-predisposing syndrome. Last evaluated: 2022-05-25. Review status: criteria provided, single submitter. Criteria: Ambry Variant Classification Scheme 2023. Collection method: clinical testing. Allele origin: germline.